The following is an entry in ClinVar:

ClinVar aggregate classification (germline): Pathogenic (1 of 4 stars; one submission).

Conditions:
Neurofibromatosis, type 1 (NF1). Also called: VON RECKLINGHAUSEN DISEASE; NEUROFIBROMATOSIS, TYPE I, SOMATIC; Neurofibromatosis, type I; Peripheral type neurofibromatosis. Identifiers: Orphanet 636, MedGen C0027831, MONDO:0018975, OMIM 162200. Disease mechanism: loss of function.

Submission:

Labcorp Genetics (formerly Invitae), Labcorp
Classification: Pathogenic for Neurofibromatosis, type 1. Last evaluated: 2022-09-30. Review status: criteria provided, single submitter. Criteria: Invitae Variant Classification Sherloc (09022015). Collection method: clinical testing. Allele origin: germline.
Comment: For these reasons, this variant has been classified as Pathogenic. This variant has not been reported in the literature in individuals affected with NF1-related conditions. This variant is not present in population databases (gnomAD no frequency). This sequence change creates a premature translational stop signal (p.Gln20Profs*18) in the NF1 gene. It is expected to result in an absent or disrupted protein product. Loss-of-function variants in NF1 are known to be pathogenic (PMID: 10712197, 23913538).

Literature cited by the submitters: PubMed 10712197; PubMed 23913538.

NM_001042492.3(NF1):c.58dup (p.Gln20fs)

Genes: MIR4733HG (MIR4733 host gene; minus strand), NF1 (neurofibromin 1; plus strand), LOC111811965 (NF1 (neurofibromin 1) promoter region; plus strand). Cytogenetic location: 17q11.2.
Variant type: Duplication.
Coding change: c.58dup on transcript NM_001042492.3 (MANE Select); coding-DNA position 58, one base duplicated (C; older notation c.58dupC).
Protein change: p.Gln20fs; shifts the reading frame from glutamine 20.
Molecular consequence: frameshift variant. On other transcripts: non-coding transcript variant (1).
Genome position (GRCh38, 1-based): chr17:31,095,367, C duplicated. VCF-style (leftmost placement, unchanged base first): chr17-31095366-G-GC. GRCh37 (hg19) VCF-style: chr17-29422384-G-GC.
Other names: c.58dup, p.Gln20Profs (NM_000267.4); c.58dup, p.Gln20fs (NM_001128147.3); short protein forms Q20fs.
Identifiers: ClinVar variation 2033451 (VCV002033451.4), dbSNP rs2544511642, ClinGen allele CA2580093208.